The following is an entry in ClinVar:

ClinVar aggregate classification (germline): Uncertain significance (1 of 4 stars; one submission).

Conditions:
Cardiac arrhythmia. Also called: Arrhythmia; Cardiac rhythm disease. Identifiers: MedGen C0003811, MONDO:0007263, HP:0011675.

gnomAD v4.1: 5 of 1,601,168 alleles (0.00031%); highest among the groups gnomAD compares: Non-Finnish European, 0.00043%; no homozygotes.

Submission:

Color Diagnostics, LLC DBA Color Health
Classification: Uncertain significance for Cardiac arrhythmia. Last evaluated: 2025-06-20. Review status: criteria provided, single submitter. Criteria: ACMG Guidelines, 2015. Collection method: clinical testing. Allele origin: germline.
Comment: This missense variant replaces isoleucine with methionine at codon 18 of the KCNH2 protein. Computational prediction suggests that this variant may have deleterious impact on protein structure and function. To our knowledge, functional studies have not been reported for this variant. This variant has not been reported in individuals affected with KCNH2-related disorders in the literature. This variant has been identified in 1/239694 chromosomes in the general population by the Genome Aggregation Database (gnomAD). The available evidence is insufficient to determine the role of this variant in disease conclusively. Therefore, this variant is classified as a Variant of Uncertain Significance.

NM_000238.4(KCNH2):c.54C>G (p.Ile18Met)

Gene: KCNH2 (potassium voltage-gated channel subfamily H member 2; minus strand). Cytogenetic location: 7q36.1.
Variant type: single nucleotide variant.
Coding change: c.54C>G on transcript NM_000238.4 (MANE Select); coding-DNA position 54, C replaced by G.
Protein change: p.Ile18Met; replaces isoleucine 18 with methionine.
Molecular consequence: missense variant. On other transcripts: non-coding transcript variant (1).
Genome position (GRCh38, 1-based): chr7:150,977,860, G>C on the plus strand (C>G on the coding strand, the complement: KCNH2 is on the minus strand). VCF-style: chr7-150977860-G-C. GRCh37 (hg19) VCF-style: chr7-150674948-G-C.
Other names: c.54C>G, p.Ile18Met (NM_172056.3); short protein forms I18M.
Identifiers: ClinVar variation 4757086 (VCV004757086.1).